The following is an entry in ClinVar:

NM_000059.4(BRCA2):c.9134T>C (p.Leu3045Ser)

Gene: BRCA2 (BRCA2 DNA repair associated; plus strand). Cytogenetic location: 13q13.1.
Variant type: single nucleotide variant.
Coding change: c.9134T>C on transcript NM_000059.4 (MANE Select); coding-DNA position 9134, T replaced by C.
Protein change: p.Leu3045Ser; replaces leucine 3045 with serine.
Molecular consequence: missense variant.
Genome position (GRCh38, 1-based): chr13:32,380,023, T>C. VCF-style: chr13-32380023-T-C. GRCh37 (hg19) VCF-style: chr13-32954160-T-C.
Other names: short protein forms L3045S.
Identifiers: ClinVar variation 441403 (VCV000441403.17), dbSNP rs1205776232, ClinGen allele CA387757830.
Genomic context (GRCh38, chr13:32,380,023, plus strand): 5'-TTATGGAATCTCCATATGTTGAATTTTTGTTTTGTTTTCTGTAGGTTTCAGATGAAATTT[T>C]ATTTCAGATTTACCAGCCACGGGAGCCCCTTCACTTCAGCAAATTTTTAGATCCAGACTT-3'
Protein context (NP_000050.3, residues 3035-3055): YQQLPVSDEI[Leu3045Ser]FQIYQPREPL

ClinVar aggregate classification (germline): Conflicting classifications of pathogenicity. Review status: criteria provided, conflicting classifications (1 of 4 stars). 4 submissions from 4 submitters: Uncertain significance (3); Likely benign (1). Last evaluated 2025-05-15.

Conditions:
Familial cancer of breast. Also called: BREAST CANCER, FAMILIAL; Hereditary breast cancer; hereditary breast carcinoma. Identifiers: Orphanet 227535, MedGen C0346153, MONDO:0016419, OMIM 114480. Disease mechanism: loss of function.
Hereditary cancer-predisposing syndrome. Also called: Hereditary Cancer Syndrome; Hereditary neoplastic syndrome; Neoplastic Syndromes, Hereditary; Tumor predisposition. Identifiers: Orphanet 140162, MedGen C0027672, MeSH D009386, MONDO:0015356.
Hereditary breast ovarian cancer syndrome. Also called: Hereditary breast and ovarian cancer; Breast and ovarian cancer; Hereditary breast and ovarian cancer syndrome; Hereditary breast and/or ovarian cancer syndrome; BRCA1- and BRCA2-Associated Hereditary Breast and Ovarian Cancer; Hereditary breast and ovarian cancer syndrome (HBOC). Identifiers: Orphanet 145, MedGen C0677776, MeSH D061325, MONDO:0003582. Disease mechanism: loss of function.

Allele frequency attached by ClinVar (database versions not stated): TOPMed below 0.00001; gnomAD 0.00001.
gnomAD v4.1: 1 of 1,613,978 alleles (0.000062%); highest among the groups gnomAD compares: Admixed American, 0.0017%; no homozygotes.

Submissions (4):

Ambry Genetics
Classification: Likely benign for Hereditary cancer-predisposing syndrome. Last evaluated: 2025-05-15. Review status: criteria provided, single submitter. Criteria: Ambry Variant Classification Scheme 2023. Collection method: clinical testing. Allele origin: germline.

Labcorp Genetics (formerly Invitae), Labcorp
Classification: Uncertain significance for Hereditary breast ovarian cancer syndrome. Last evaluated: 2025-03-05. Review status: criteria provided, single submitter. Criteria: Invitae Variant Classification Sherloc (09022015). Collection method: clinical testing. Allele origin: germline.
Comment: This sequence change replaces leucine, which is neutral and non-polar, with serine, which is neutral and polar, at codon 3045 of the BRCA2 protein (p.Leu3045Ser). This variant is not present in population databases (gnomAD no frequency). This variant has not been reported in the literature in individuals affected with BRCA2-related conditions. ClinVar contains an entry for this variant (Variation ID: 441403). Invitae Evidence Modeling of protein sequence and biophysical properties (such as structural, functional, and spatial information, amino acid conservation, physicochemical variation, residue mobility, and thermodynamic stability) indicates that this missense variant is not expected to disrupt BRCA2 protein function with a negative predictive value of 95%. In summary, the available evidence is currently insufficient to determine the role of this variant in disease. Therefore, it has been classified as a Variant of Uncertain Significance.

Baylor Genetics
Classification: Uncertain significance for Familial cancer of breast. Last evaluated: 2024-02-23. Review status: criteria provided, single submitter. Criteria: ACMG Guidelines, 2015. Collection method: clinical testing. Allele origin: unknown.

Quest Diagnostics Nichols Institute San Juan Capistrano
Classification: Uncertain significance. Last evaluated: 2020-10-06. Review status: criteria provided, single submitter. Criteria: Quest Diagnostics criteria. Collection method: clinical testing. Allele origin: unknown.